The following is an entry in ClinVar:

NM_001330700.2(TOP2B):c.4507A>T (p.Thr1503Ser)

Gene: TOP2B (DNA topoisomerase II beta; minus strand). Cytogenetic location: 3p24.2.
Variant type: single nucleotide variant.
Coding change: c.4507A>T on transcript NM_001330700.2 (MANE Select); coding-DNA position 4507, A replaced by T.
Protein change: p.Thr1503Ser; replaces threonine 1503 with serine.
Molecular consequence: missense variant.
Genome position (GRCh38, 1-based): chr3:25,601,208, T>A on the plus strand (A>T on the coding strand, the complement: TOP2B is on the minus strand). VCF-style: chr3-25601208-T-A. GRCh37 (hg19) VCF-style: chr3-25642699-T-A.
Other names: c.4492A>T (NM_001068.2); c.4492A>T, p.Thr1498Ser (NM_001068.3); short protein forms T1498S, T1503S.
Identifiers: ClinVar variation 1433784 (VCV001433784.9), dbSNP rs572010388, ClinGen allele CA2288077.

ClinVar aggregate classification (germline): Uncertain significance. Review status: criteria provided, multiple submitters, no conflicts (2 of 4 stars). 2 submissions from 2 submitters: Uncertain significance (2). Last evaluated 2023-08-28.

gnomAD v4.1: 4 of 1,613,408 alleles (0.00025%); highest among the groups gnomAD compares: South Asian, 0.0044%; no homozygotes.

Submissions (2):

Ambry Genetics
Classification: Uncertain significance. Last evaluated: 2023-08-28. Review status: criteria provided, single submitter. Criteria: Ambry Variant Classification Scheme 2023. Collection method: clinical testing. Allele origin: germline.

Labcorp Genetics (formerly Invitae), Labcorp
Classification: Uncertain significance. Last evaluated: 2022-08-10. Review status: criteria provided, single submitter. Criteria: Invitae Variant Classification Sherloc (09022015). Collection method: clinical testing. Allele origin: germline.
Comment: This sequence change replaces threonine, which is neutral and polar, with serine, which is neutral and polar, at codon 1498 of the TOP2B protein (p.Thr1498Ser). This variant is present in population databases (rs572010388, gnomAD 0.007%). This variant has not been reported in the literature in individuals affected with TOP2B-related conditions. ClinVar contains an entry for this variant (Variation ID: 1433784). Algorithms developed to predict the effect of missense changes on protein structure and function (SIFT, PolyPhen-2, Align-GVGD) all suggest that this variant is likely to be tolerated. In summary, the available evidence is currently insufficient to determine the role of this variant in disease. Therefore, it has been classified as a Variant of Uncertain Significance.